The following is an entry in ClinVar:

NM_001005242.3(PKP2):c.1675-3C>G

Gene: PKP2 (plakophilin 2; minus strand). Cytogenetic location: 12p11.21.
Variant type: single nucleotide variant.
Coding change: c.1675-3C>G on transcript NM_001005242.3 (MANE Select); 3 bases into the intron before coding-DNA position 1675, C replaced by G.
Molecular consequence: intron variant.
Genome position (GRCh38, 1-based): chr12:32,822,634, G>C on the plus strand (C>G on the coding strand, the complement: PKP2 is on the minus strand). VCF-style: chr12-32822634-G-C. GRCh37 (hg19) VCF-style: chr12-32975568-G-C.
Other names: c.1675-1105C>G (NM_001407156.1); c.1675-3C>G (NM_001407155.1, NM_001407161.1); c.1807-3C>G (NM_004572.4, NM_001407157.1); c.1348-3C>G (NM_001407160.1, NM_001407159.1, NM_001407158.1 and 1 more transcripts).
Identifiers: ClinVar variation 3894069 (VCV003894069.1).

ClinVar aggregate classification (germline): Uncertain significance (1 of 4 stars; one submission).

Conditions:
Cardiomyopathy (CMYO). Also called: Cardiomyopathies. Identifiers: Orphanet 167848, MedGen C0878544, MONDO:0004994, HP:0001638. Inheritance: Various modes of inheritance.

gnomAD v4.1: 3 of 1,613,846 alleles (0.00019%); highest among the groups gnomAD compares: Non-Finnish European, 0.00025%; no homozygotes.

Submission:

Color Diagnostics, LLC DBA Color Health
Classification: Uncertain significance for Cardiomyopathy. Last evaluated: 2024-08-26. Review status: criteria provided, single submitter. Criteria: ACMG Guidelines, 2015. Collection method: clinical testing. Allele origin: germline.
Comment: This variant causes a C to G nucleotide substitution at the -3 position of intron 8/13 of the PKP2 gene. To our knowledge, functional studies have not been reported for this variant. This variant has not been reported in individuals affected with PKP2-related disorders in the literature. This variant has not been identified in the general population by the Genome Aggregation Database (gnomAD). The available evidence is insufficient to determine the role of this variant in disease conclusively. Therefore, this variant is classified as a Variant of Uncertain Significance.